The following is an entry in ClinVar:

ClinVar aggregate classification (germline): Pathogenic (1 of 4 stars; one submission).

Conditions:
Cerebral cavernous malformation (CCM). Also called: Cavernous Hemangioma of Brain; Cerebral cavernous hemangioma (type); Cerebral cavernous malformations; CAVERNOUS ANGIOMA, FAMILIAL; CAVERNOUS ANGIOMATOUS MALFORMATIONS; CEREBRAL CAPILLARY MALFORMATIONS. Identifiers: Orphanet 221061, MedGen C2919945, MONDO:0000820, OMIM 116860, HP:0033522.

Submission:

Labcorp Genetics (formerly Invitae), Labcorp
Classification: Pathogenic for Cerebral cavernous malformation. Last evaluated: 2020-06-13. Review status: criteria provided, single submitter. Criteria: Invitae Variant Classification Sherloc (09022015). Collection method: clinical testing. Allele origin: germline.
Comment: This sequence change creates a premature translational stop signal (p.Ser433Leufs*4) in the KRIT1 gene. It is expected to result in an absent or disrupted protein product. This variant is not present in population databases (ExAC no frequency). This variant has not been reported in the literature in individuals with KRIT1-related conditions. Loss-of-function variants in KRIT1 are known to be pathogenic (PMID: 10508515, 11222804, 12404106, 24689081). For these reasons, this variant has been classified as Pathogenic.

Literature cited by the submitters: PubMed 10508515; PubMed 11222804; PubMed 12404106; PubMed 24689081.

NM_194454.3(KRIT1):c.1297del (p.Ser433fs)

Gene: KRIT1 (KRIT1 ankyrin repeat containing; minus strand). Cytogenetic location: 7q21.2.
Variant type: Deletion.
Coding change: c.1297del on transcript NM_194454.3 (MANE Select); coding-DNA position 1297, one base deleted (T; older notation c.1297delT).
Protein change: p.Ser433fs; shifts the reading frame from serine 433.
Molecular consequence: frameshift variant.
Genome position (GRCh38, 1-based): chr7:92,222,936, A deleted on the plus strand (T on the coding strand, the reverse complement: KRIT1 is on the minus strand); the first of 2 consecutive A bases (chr7:92,222,936-92,222,937); deleting either gives the same sequence. VCF-style (leftmost placement, unchanged base first): chr7-92222935-GA-G. GRCh37 (hg19) VCF-style: chr7-91852249-GA-G.
Other names: c.1153del, p.Ser385fs (NM_001013406.2, NM_001350669.1, NM_001350670.1); c.583del, p.Ser195fs (NM_001350671.1); c.1297del, p.Ser433fs (NM_001350672.1, NM_001350673.1, NM_001350674.1 and 26 more transcripts); short protein forms S195fs, S385fs, S433fs.
Identifiers: ClinVar variation 1069273 (VCV001069273.7), dbSNP rs2131454682, ClinGen allele CA2499219035.